The following is an entry in ClinVar:

ClinVar aggregate classification (germline): Uncertain significance. Review status: criteria provided, multiple submitters, no conflicts (2 of 4 stars). 2 submissions from 2 submitters: Uncertain significance (2). Last evaluated 2024-06-10.

Conditions:
Hereditary cancer-predisposing syndrome. Also called: Neoplastic Syndromes, Hereditary; Tumor predisposition; Hereditary neoplastic syndrome; Hereditary Cancer Syndrome. Identifiers: Orphanet 140162, MedGen C0027672, MeSH D009386, MONDO:0015356.
Familial cancer of breast. Also called: BREAST CANCER, FAMILIAL; hereditary breast carcinoma; Hereditary breast cancer. Identifiers: Orphanet 227535, MedGen C0346153, MONDO:0016419, OMIM 114480. Disease mechanism: loss of function.

Submissions (2):

Labcorp Genetics (formerly Invitae), Labcorp
Classification: Uncertain significance for Familial cancer of breast. Last evaluated: 2024-06-10. Review status: criteria provided, single submitter. Criteria: Invitae Variant Classification Sherloc (09022015). Collection method: clinical testing. Allele origin: germline.
Comment: This sequence change replaces leucine, which is neutral and non-polar, with proline, which is neutral and non-polar, at codon 460 of the CHEK2 protein (p.Leu460Pro). This variant is not present in population databases (gnomAD no frequency). This variant has not been reported in the literature in individuals affected with CHEK2-related conditions. ClinVar contains an entry for this variant (Variation ID: 579373). An algorithm developed to predict the effect of missense changes on protein structure and function (PolyPhen-2) suggests that this variant is likely to be disruptive. In summary, the available evidence is currently insufficient to determine the role of this variant in disease. Therefore, it has been classified as a Variant of Uncertain Significance.

Ambry Genetics
Classification: Uncertain significance for Hereditary cancer-predisposing syndrome. Last evaluated: 2018-10-26. Review status: criteria provided, single submitter. Criteria: Ambry Variant Classification Scheme 2023. Collection method: clinical testing. Allele origin: germline.
Comment: The p.L460P variant (also known as c.1379T>C), located in coding exon 12 of the CHEK2 gene, results from a T to C substitution at nucleotide position 1379. The leucine at codon 460 is replaced by proline, an amino acid with similar properties. This amino acid position is well conserved in available vertebrate species. In addition, the in silico prediction for this alteration is inconclusive. Since supporting evidence is limited at this time, the clinical significance of this alteration remains unclear.

NM_007194.4(CHEK2):c.1379T>C (p.Leu460Pro)

Gene: CHEK2 (checkpoint kinase 2; minus strand). Cytogenetic location: 22q12.1.
Variant type: single nucleotide variant.
Coding change: c.1379T>C on transcript NM_007194.4 (MANE Select); coding-DNA position 1379, T replaced by C.
Protein change: p.Leu460Pro; replaces leucine 460 with proline.
Molecular consequence: missense variant.
Genome position (GRCh38, 1-based): chr22:28,694,114, A>G on the plus strand (T>C on the coding strand, the complement: CHEK2 is on the minus strand). VCF-style: chr22-28694114-A-G. GRCh37 (hg19) VCF-style: chr22-29090102-A-G.
Other names: c.1508T>C, p.Leu503Pro (NM_001005735.3); c.716T>C, p.Leu239Pro (NM_001257387.3); c.1178T>C, p.Leu393Pro (NM_001349956.3); c.1292T>C, p.Leu431Pro (NM_145862.3); short protein forms L460P, L393P, L503P, L239P, L431P.
Identifiers: ClinVar variation 579373 (VCV000579373.16), dbSNP rs1569110510, ClinGen allele CA411094544.